The following is an entry in ClinVar:

ClinVar aggregate classification (germline): Uncertain significance. Review status: criteria provided, multiple submitters, no conflicts (2 of 4 stars). 2 submissions from 2 submitters: Uncertain significance (2). Last evaluated 2024-02-29.

Conditions:
Cardiovascular phenotype. Identifiers: MedGen CN230736.

Allele frequency attached by ClinVar (database versions not stated): gnomAD 0.00001; gnomAD exomes 0.00001.
gnomAD v4.1: 8 of 1,613,074 alleles (0.0005%); highest among the groups gnomAD compares: Non-Finnish European, 0.00059%; no homozygotes.

Submissions (2):

Ambry Genetics
Classification: Uncertain significance for Cardiovascular phenotype. Last evaluated: 2024-02-29. Review status: criteria provided, single submitter. Criteria: Ambry Variant Classification Scheme 2023. Collection method: clinical testing. Allele origin: germline.
Comment: The p.W2970R variant (also known as c.8908T>C), located in coding exon 25 of the TNXB gene, results from a T to C substitution at nucleotide position 8908. The tryptophan at codon 2970 is replaced by arginine, an amino acid with dissimilar properties. This amino acid position is conserved. In addition, the in silico prediction for this alteration is inconclusive. Based on the available evidence, the clinical significance of this alteration remains unclear.

GeneDx
Classification: Uncertain significance. Last evaluated: 2023-06-09. Review status: criteria provided, single submitter. Criteria: GeneDx Variant Classification Process June 2021. Collection method: clinical testing. Allele origin: germline. Affected: yes.
Comment: Not observed at significant frequency in large population cohorts (gnomAD); In silico analysis supports that this missense variant has a deleterious effect on protein structure/function; Has not been previously published as pathogenic or benign to our knowledge

NM_001365276.2(TNXB):c.8914T>C (p.Trp2972Arg)

Gene: TNXB (tenascin XB; minus strand). Cytogenetic location: 6p21.33.
Variant type: single nucleotide variant.
Coding change: c.8914T>C on transcript NM_001365276.2 (MANE Select); coding-DNA position 8914, T replaced by C.
Protein change: p.Trp2972Arg; replaces tryptophan 2972 with arginine.
Molecular consequence: missense variant.
Genome position (GRCh38, 1-based): chr6:32,052,871, A>G on the plus strand (T>C on the coding strand, the complement: TNXB is on the minus strand). VCF-style: chr6-32052871-A-G. GRCh37 (hg19) VCF-style: chr6-32020648-A-G.
Other names: c.9655T>C, p.Trp3219Arg (NM_001428335.1); c.8908T>C, p.Trp2970Arg (NM_019105.8); short protein forms W2970R, W2972R, W3219R.
Identifiers: ClinVar variation 3227347 (VCV003227347.2), dbSNP rs1777376640, ClinGen allele CA363545464.